The following is an entry in ClinVar:

NM_004092.4(ECHS1):c.244G>A (p.Val82Met)

Gene: ECHS1 (enoyl-CoA hydratase, short chain 1; minus strand). Cytogenetic location: 10q26.3.
Variant type: single nucleotide variant.
Coding change: c.244G>A on transcript NM_004092.4 (MANE Select); coding-DNA position 244, G replaced by A.
Protein change: p.Val82Met; replaces valine 82 with methionine.
Molecular consequence: missense variant.
Genome position (GRCh38, 1-based): chr10:133,370,602, C>T on the plus strand (G>A on the coding strand, the complement: ECHS1 is on the minus strand). VCF-style: chr10-133370602-C-T. GRCh37 (hg19) VCF-style: chr10-135184106-C-T.
Other names: short protein forms V82M.
Identifiers: ClinVar variation 1471134 (VCV001471134.7), dbSNP rs755536429, ClinGen allele CA5765843.
Genomic context (GRCh38, chr10:133,370,602, plus strand): 5'-CTCTGCTGCCGCGCGTACCTGCAAAGGCCTTATCCCCGCCGGTGAGGACAATGGCCCCCA[C>T]GGCCGGGTCCTCCTCGAAGGTCTTCAGGGCCTGGTTGAGCTCGTCAATCAGGCCATCGCA-3'
Protein context (NP_004083.3, residues 72-92): ALKTFEEDPA[Val82Met]GAIVLTGGDK

ClinVar aggregate classification (germline): Uncertain significance. Review status: criteria provided, multiple submitters, no conflicts (2 of 4 stars). 2 submissions from 2 submitters: Uncertain significance (2). Last evaluated 2024-10-25.

Allele frequency attached by ClinVar (database versions not stated): gnomAD exomes 0.00001 and 0.00002; TOPMed 0.00002; ExAC 0.00003; gnomAD 0.00003 and 0.00004.
gnomAD v4.1: 24 of 1,609,344 alleles (0.0015%); highest among the groups gnomAD compares: East Asian, 0.0089%; no homozygotes.

Submissions (2):

Labcorp Genetics (formerly Invitae), Labcorp
Classification: Uncertain significance. Last evaluated: 2024-10-25. Review status: criteria provided, single submitter. Criteria: Invitae Variant Classification Sherloc (09022015). Collection method: clinical testing. Allele origin: germline.
Comment: This sequence change replaces valine, which is neutral and non-polar, with methionine, which is neutral and non-polar, at codon 82 of the ECHS1 protein (p.Val82Met). This variant is present in population databases (rs755536429, gnomAD 0.009%). This missense change has been observed in individual(s) with ECHS1-related conditions (PMID: 36200804). ClinVar contains an entry for this variant (Variation ID: 1471134). Invitae Evidence Modeling of protein sequence and biophysical properties (such as structural, functional, and spatial information, amino acid conservation, physicochemical variation, residue mobility, and thermodynamic stability) has been performed for this missense variant. However, the output from this modeling did not meet the statistical confidence thresholds required to predict the impact of this variant on ECHS1 protein function. This variant disrupts the p.Val82 amino acid residue in ECHS1. Other variant(s) that disrupt this residue have been observed in individuals with ECHS1-related conditions (PMID: 32329585), which suggests that this may be a clinically significant amino acid residue. In summary, the available evidence is currently insufficient to determine the role of this variant in disease. Therefore, it has been classified as a Variant of Uncertain Significance.

Centre of Medical Genetics, University Hospital Muenster
Classification: Uncertain significance. Last evaluated: 2024-01-29. Review status: criteria provided, single submitter. Criteria: ACMG Guidelines, 2015. Collection method: clinical testing. Allele origin: unknown. Affected: yes. Observed: 1 variant allele, 1 homozygote.
Comment: ACMG categories: PM2,PM3_sup,PP2,PP3

Literature cited by the submitters: PubMed 36200804 (cited by Labcorp Genetics (formerly Invitae), Labcorp); PubMed 32329585 (cited by Labcorp Genetics (formerly Invitae), Labcorp).